The following is an entry in ClinVar:

NM_000070.3(CAPN3):c.928G>A (p.Asp310Asn)

Gene: CAPN3 (calpain 3; plus strand). Cytogenetic location: 15q15.1.
Variant type: single nucleotide variant.
Coding change: c.928G>A on transcript NM_000070.3 (MANE Select); coding-DNA position 928, G replaced by A.
Protein change: p.Asp310Asn; replaces aspartic acid 310 with asparagine.
Molecular consequence: missense variant. On other transcripts: intron variant (1).
Genome position (GRCh38, 1-based): chr15:42,390,079, G>A. VCF-style: chr15-42390079-G-A. GRCh37 (hg19) VCF-style: chr15-42682277-G-A.
Other names: c.928G>A, p.Asp310Asn (NM_024344.2); c.667G>A, p.Asp223Asn (NM_212464.2); c.*621G>A (NM_212467.2); c.801+983G>A (NM_173087.2); short protein forms D310N, D223N.
Identifiers: ClinVar variation 2046143 (VCV002046143.3), dbSNP rs778330298, ClinGen allele CA7511167.
Genomic context (GRCh38, chr15:42,390,079, plus strand): 5'-ATGGTAAGGAATATGGATAACTCACTGCTCCAGGACTCAGACCTCGACCCCAGAGGCTCA[G>A]ATGAAAGACCGACCCGGGTGTGTACACCTCCGATTATCAGAACTGACCATCCCTCCAACC-3'
Protein context (NP_000061.1, residues 300-320): QDSDLDPRGS[Asp310Asn]ERPTRTIIPV

ClinVar aggregate classification (germline): Uncertain significance (1 of 4 stars; one submission).

Conditions:
Autosomal recessive limb-girdle muscular dystrophy type 2A (LGMDR1). Also called: LEYDEN-MOEBIUS MUSCULAR DYSTROPHY; MUSCULAR DYSTROPHY, PELVOFEMORAL; Muscular dystrophy, limb-girdle, type 2A, Amish; Limb-girdle muscular dystrophy, type 2A; Calpainopathy. Identifiers: Orphanet 267, MedGen C1869123, MONDO:0009675, OMIM 253600. Disease mechanism: loss of function.

Allele frequency attached by ClinVar (database versions not stated): gnomAD exomes 0.00002; TOPMed 0.00002; ExAC 0.00005.

Submission:

Labcorp Genetics (formerly Invitae), Labcorp
Classification: Uncertain significance for Autosomal recessive limb-girdle muscular dystrophy type 2A. Last evaluated: 2025-05-18. Review status: criteria provided, single submitter. Criteria: Invitae Variant Classification Sherloc (09022015). Collection method: clinical testing. Allele origin: germline.
Comment: This sequence change replaces aspartic acid, which is acidic and polar, with asparagine, which is neutral and polar, at codon 310 of the CAPN3 protein (p.Asp310Asn). This variant is present in population databases (rs778330298, gnomAD 0.03%). This variant has not been reported in the literature in individuals affected with CAPN3-related conditions. ClinVar contains an entry for this variant (Variation ID: 2046143). Invitae Evidence Modeling of protein sequence and biophysical properties (such as structural, functional, and spatial information, amino acid conservation, physicochemical variation, residue mobility, and thermodynamic stability) has been performed for this missense variant. However, the output from this modeling did not meet the statistical confidence thresholds required to predict the impact of this variant on CAPN3 protein function. In summary, the available evidence is currently insufficient to determine the role of this variant in disease. Therefore, it has been classified as a Variant of Uncertain Significance.